The following is an entry in ClinVar:

ClinVar aggregate classification (germline): Pathogenic (1 of 4 stars; one submission).

Submission:

Labcorp Genetics (formerly Invitae), Labcorp
Classification: Pathogenic. Last evaluated: 2025-10-01. Review status: criteria provided, single submitter. Criteria: Invitae Variant Classification Sherloc (09022015). Collection method: clinical testing. Allele origin: germline.
Comment: This sequence change creates a premature translational stop signal (p.Asn88Ilefs*9) in the IFNAR1 gene. It is expected to result in an absent or disrupted protein product. Loss-of-function variants in IFNAR1 are known to be pathogenic (PMID: 31270247, 32960813). This variant is present in population databases (no rsID available, gnomAD 0.007%). This variant has not been reported in the literature in individuals affected with IFNAR1-related conditions. For these reasons, this variant has been classified as Pathogenic.

Literature cited by the submitters: PubMed 31270247; PubMed 32960813.

NM_000629.3(IFNAR1):c.263_267del (p.Asn88fs)

Gene: IFNAR1 (interferon alpha and beta receptor subunit 1; plus strand). Cytogenetic location: 21q22.11.
Variant type: Deletion.
Coding change: c.263_267del on transcript NM_000629.3 (MANE Select); coding-DNA positions 263 to 267, 5 bases deleted (ACTTT; older notation c.263_267delACTTT).
Protein change: p.Asn88fs; shifts the reading frame from asparagine 88.
Molecular consequence: frameshift variant. On other transcripts: intron variant (1), 5 prime UTR variant (1).
Genome position (GRCh38, 1-based): chr21:33,341,061-33,341,065, ACTTT deleted. VCF-style (leftmost placement, unchanged base first): chr21-33341060-AACTTT-A. GRCh37 (hg19) VCF-style: chr21-34713366-AACTTT-A.
Other names: c.56_60del, p.Asn19fs (NM_001384504.1); c.-183-17_-183-13del (NM_001384502.1); c.263_267del, p.Asn88fs (NM_001384501.1, NM_001384503.1, NM_001384498.1 and 1 more transcripts); c.-524_-520del (NM_001384500.1); short protein forms N88fs, N19fs.
Identifiers: ClinVar variation 4768306 (VCV004768306.1).